The following is an entry in ClinVar:

NM_015909.4(NBAS):c.5808C>T (p.Asn1936=)

Gene: NBAS (NBAS subunit of NRZ tethering complex; minus strand). Cytogenetic location: 2p24.3.
Variant type: single nucleotide variant.
Coding change: c.5808C>T on transcript NM_015909.4 (MANE Select); coding-DNA position 5808, C replaced by T.
Protein change: p.Asn1936=; no amino-acid change (asparagine 1936 retained).
Molecular consequence: synonymous variant. On other transcripts: non-coding transcript variant (1).
Genome position (GRCh38, 1-based): chr2:15,238,603, G>A on the plus strand (C>T on the coding strand, the complement: NBAS is on the minus strand). VCF-style: chr2-15238603-G-A. GRCh37 (hg19) VCF-style: chr2-15378727-G-A.
Other names: p.Asn1936=.
Identifiers: ClinVar variation 726869 (VCV000726869.13), dbSNP rs141404162, ClinGen allele CA1535193.

ClinVar aggregate classification (germline): Likely benign. Review status: criteria provided, multiple submitters, no conflicts (2 of 4 stars). 6 submissions from 6 submitters: Likely benign (3). 3 of the submissions do not count toward it. Last evaluated 2026-01-21.

Allele frequency attached by ClinVar (database versions not stated): gnomAD exomes 0.00063 and 0.00171; ExAC 0.00064; gnomAD 0.00088 and 0.00092; TOPMed 0.00098; ESP Exome Variant Server 0.00169.
gnomAD v4.1: 2,561 of 1,613,448 alleles (0.16%); highest among the groups gnomAD compares: Non-Finnish European, 0.21%; 3 homozygotes.

Submissions (6):

Labcorp Genetics (formerly Invitae), Labcorp
Classification: Likely benign. Last evaluated: 2026-01-21. Review status: criteria provided, single submitter. Criteria: Invitae Variant Classification Sherloc (09022015). Collection method: clinical testing. Allele origin: germline.

Mayo Clinic Laboratories, Mayo Clinic
Classification: Likely benign. Last evaluated: 2024-12-03. Review status: criteria provided, single submitter. Criteria: ACMG Guidelines, 2015. Collection method: clinical testing. Allele origin: germline. Observed: 1 variant allele.
Comment: BP4, BP7

Blueprint Genetics
Classification: Likely benign. Last evaluated: 2024-09-11. Review status: criteria provided, single submitter. Criteria: ACMG Guidelines, 2015. Collection method: clinical testing. Allele origin: germline.

Clinical Genetics DNA and cytogenetics Diagnostics Lab, Erasmus MC, Erasmus Medical Center
Classification: Likely benign. Review status: no assertion criteria provided. Collection method: clinical testing. Allele origin: germline. Affected: yes. Study: VKGL Data-share Consensus. Not counted in ClinVar's aggregate classification.

Genome Diagnostics Laboratory, Amsterdam University Medical Center
Classification: Likely benign. Review status: no assertion criteria provided. Collection method: clinical testing. Allele origin: germline. Affected: yes. Study: VKGL Data-share Consensus. Not counted in ClinVar's aggregate classification.

Genome Diagnostics Laboratory, University Medical Center Utrecht
Classification: Likely benign. Review status: no assertion criteria provided. Collection method: clinical testing. Allele origin: germline. Affected: yes. Study: VKGL Data-share Consensus. Not counted in ClinVar's aggregate classification.